The following is an entry in ClinVar:

ClinVar aggregate classification (germline): Uncertain significance. Review status: criteria provided, single submitter (1 of 4 stars). 2 submissions from 2 submitters: Uncertain significance (1). 1 of the submissions does not count toward it. Last evaluated 2024-08-26.

gnomAD v4.1: 1 of 1,613,966 alleles (0.000062%); no homozygotes.

Submissions (2):

Women's Health and Genetics/Laboratory Corporation of America, LabCorp
Classification: Uncertain significance. Last evaluated: 2024-08-26. Review status: criteria provided, single submitter. Criteria: LabCorp Variant Classification Summary - May 2015. Collection method: clinical testing. Allele origin: germline.
Comment: Variant summary: F11 c.1541G>T (p.Cys514Phe) results in a non-conservative amino acid change located in the Serine proteases, trypsin domain (IPR001254) of the encoded protein sequence. Five of five in-silico tools predict a damaging effect of the variant on protein function. The variant was absent in 251442 control chromosomes. The available data on variant occurrences in the general population are insufficient to allow any conclusion about variant significance. c.1541G>T has been reported in the literature in at-least one heterozygous individual affected with factor XI deficiency disease (example: Gueguen_2012). These data do not allow any conclusion about variant significance. To our knowledge, no experimental evidence demonstrating an impact on protein function has been reported. The following publication has been ascertained in the context of this evaluation (PMID: 22159456). ClinVar contains an entry for this variant (Variation ID: 68183). Based on the evidence outlined above, the variant was classified as uncertain significance.

UniProtKB/Swiss-Prot
No classification provided. Review status: no classification provided. Collection method: not provided. Allele origin: not provided. Not counted in ClinVar's aggregate classification.

Literature cited by the submitters: PubMed 22159456 (cited by Women's Health and Genetics/Laboratory Corporation of America, LabCorp).

NM_000128.4(F11):c.1541G>T (p.Cys514Phe)

Genes: F11 (coagulation factor XI; plus strand), F11-AS1 (F11 antisense RNA 1; minus strand). Cytogenetic location: 4q35.2.
Variant type: single nucleotide variant.
Coding change: c.1541G>T on transcript NM_000128.4 (MANE Select); coding-DNA position 1541, G replaced by T.
Protein change: p.Cys514Phe; replaces cysteine 514 with phenylalanine.
Molecular consequence: missense variant.
Genome position (GRCh38, 1-based): chr4:186,286,475, G>T. VCF-style: chr4-186286475-G-T. GRCh37 (hg19) VCF-style: chr4-187207629-G-T.
Other names: short protein forms C514F.
Identifiers: ClinVar variation 68183 (VCV000068183.2), dbSNP rs281875249, ClinGen allele CA219122.